The following is an entry in ClinVar:

ClinVar aggregate classification (germline): Uncertain significance (1 of 4 stars; one submission).

Conditions:
Developmental and epileptic encephalopathy 94 (DEE94). Also called: CHD2-Related Neurodevelopmental Disorders; Epileptic encephalopathy, childhood-onset. Identifiers: Orphanet 1942, Orphanet 2382, MedGen C3809278, MONDO:0014150, OMIM 615369.

Submission:

Labcorp Genetics (formerly Invitae), Labcorp
Classification: Uncertain significance for Developmental and epileptic encephalopathy 94. Last evaluated: 2025-01-22. Review status: criteria provided, single submitter. Criteria: Invitae Variant Classification Sherloc (09022015). Collection method: clinical testing. Allele origin: germline.
Comment: This sequence change replaces methionine, which is neutral and non-polar, with leucine, which is neutral and non-polar, at codon 2 of the CHD2 protein (p.Met2Leu). This variant is not present in population databases (gnomAD no frequency). This variant has not been reported in the literature in individuals affected with CHD2-related conditions. Invitae Evidence Modeling of protein sequence and biophysical properties (such as structural, functional, and spatial information, amino acid conservation, physicochemical variation, residue mobility, and thermodynamic stability) indicates that this missense variant is not expected to disrupt CHD2 protein function with a negative predictive value of 95%. In summary, the available evidence is currently insufficient to determine the role of this variant in disease. Therefore, it has been classified as a Variant of Uncertain Significance.

NM_001271.4(CHD2):c.4A>T (p.Met2Leu)

Gene: CHD2 (chromodomain helicase DNA binding protein 2; plus strand). Cytogenetic location: 15q26.1.
Variant type: single nucleotide variant.
Coding change: c.4A>T on transcript NM_001271.4 (MANE Select); coding-DNA position 4, A replaced by T.
Protein change: p.Met2Leu; replaces methionine 2 with leucine.
Molecular consequence: missense variant.
Genome position (GRCh38, 1-based): chr15:92,901,241, A>T. VCF-style: chr15-92901241-A-T. GRCh37 (hg19) VCF-style: chr15-93444471-A-T.
Other names: c.4A>T, p.Met2Leu (NM_001042572.3); short protein forms M2L.
Identifiers: ClinVar variation 3678942 (VCV003678942.2).